The following is an entry in ClinVar:

ClinVar aggregate classification (germline): Uncertain significance (1 of 4 stars; one submission).

Submission:

Ambry Genetics
Classification: Uncertain significance. Last evaluated: 2025-08-12. Review status: criteria provided, single submitter. Criteria: Ambry Variant Classification Scheme 2023. Collection method: clinical testing. Allele origin: germline.
Comment: The p.V733M variant (also known as c.2197G>A), located in coding exon 19 of the SLMAP gene, results from a G to A substitution at nucleotide position 2197. The valine at codon 733 is replaced by methionine, an amino acid with highly similar properties. This amino acid position is conserved. In addition, this alteration is predicted to be tolerated by in silico analysis. Based on the available evidence, the clinical significance of this variant remains unclear.

NM_001377540.1(SLMAP):c.2299G>A (p.Val767Met)

Gene: SLMAP (sarcolemma associated protein; plus strand). Cytogenetic location: 3p14.3.
Variant type: single nucleotide variant.
Coding change: c.2299G>A on transcript NM_001377540.1 (MANE Select); coding-DNA position 2299, G replaced by A.
Protein change: p.Val767Met; replaces valine 767 with methionine.
Molecular consequence: missense variant. On other transcripts: non-coding transcript variant (1).
Genome position (GRCh38, 1-based): chr3:57,917,066, G>A. VCF-style: chr3-57917066-G-A. GRCh37 (hg19) VCF-style: chr3-57902793-G-A.
Other names: c.2134G>A, p.Val712Met (NM_001377557.1, NM_001377559.1, NM_001304421.2); c.2125G>A, p.Val709Met (NM_001377562.1, NM_001377921.1); c.2113G>A, p.Val705Met (NM_001377922.1); c.2074G>A, p.Val692Met (NM_001377923.1); c.2062G>A, p.Val688Met (NM_001377924.1); c.2011G>A, p.Val671Met (NM_001377925.1); c.727G>A, p.Val243Met (NM_001377926.1, NM_001377927.1, NM_001311179.2); c.2299G>A, p.Val767Met (NM_001377539.1); and 8 more; short protein forms V692M, V712M, V733M, V746M, V767M, V243M, V671M, V688M.
Identifiers: ClinVar variation 4169932 (VCV004169932.1).